The following is an entry in ClinVar:

NM_006947.4(SRP72):c.151A>G (p.Lys51Glu)

Gene: SRP72 (signal recognition particle 72; plus strand). Cytogenetic location: 4q12.
Variant type: single nucleotide variant.
Coding change: c.151A>G on transcript NM_006947.4 (MANE Select); coding-DNA position 151, A replaced by G.
Protein change: p.Lys51Glu; replaces lysine 51 with glutamic acid.
Molecular consequence: missense variant. On other transcripts: non-coding transcript variant (1).
Genome position (GRCh38, 1-based): chr4:56,469,694, A>G. VCF-style: chr4-56469694-A-G. GRCh37 (hg19) VCF-style: chr4-57335860-A-G.
Other names: c.151A>G, p.Lys51Glu (NM_001267722.2); short protein forms K51E.
Identifiers: ClinVar variation 1471142 (VCV001471142.11), dbSNP rs779302597, ClinGen allele CA97583668.

ClinVar aggregate classification (germline): Uncertain significance. Review status: criteria provided, multiple submitters, no conflicts (2 of 4 stars). 3 submissions from 3 submitters: Uncertain significance (3). Last evaluated 2025-10-06.

Allele frequency attached by ClinVar (database versions not stated): gnomAD 0.00001; TOPMed 0.00002.
gnomAD v4.1: 26 of 1,612,304 alleles (0.0016%); highest among the groups gnomAD compares: Non-Finnish European, 0.002%; no homozygotes.

Submissions (3):

Labcorp Genetics (formerly Invitae), Labcorp
Classification: Uncertain significance. Last evaluated: 2025-10-06. Review status: criteria provided, single submitter. Criteria: Invitae Variant Classification Sherloc (09022015). Collection method: clinical testing. Allele origin: germline.
Comment: This sequence change replaces lysine, which is basic and polar, with glutamic acid, which is acidic and polar, at codon 51 of the SRP72 protein (p.Lys51Glu). This variant is not present in population databases (gnomAD no frequency). This variant has not been reported in the literature in individuals affected with SRP72-related conditions. ClinVar contains an entry for this variant (Variation ID: 1471142). Invitae Evidence Modeling of protein sequence and biophysical properties (such as structural, functional, and spatial information, amino acid conservation, physicochemical variation, residue mobility, and thermodynamic stability) indicates that this missense variant is expected to disrupt SRP72 protein function with a positive predictive value of 80%. In summary, the available evidence is currently insufficient to determine the role of this variant in disease. Therefore, it has been classified as a Variant of Uncertain Significance.

Ambry Genetics
Classification: Uncertain significance. Last evaluated: 2024-11-28. Review status: criteria provided, single submitter. Criteria: Ambry Variant Classification Scheme 2023. Collection method: clinical testing. Allele origin: germline.
Comment: The p.K51E variant (also known as c.151A>G), located in coding exon 2 of the SRP72 gene, results from an A to G substitution at nucleotide position 151. The lysine at codon 51 is replaced by glutamic acid, an amino acid with similar properties. This amino acid position is conserved. In addition, this alteration is predicted to be deleterious by in silico analysis. Based on the available evidence, the clinical significance of this variant remains unclear.

GeneDx
Classification: Uncertain significance. Last evaluated: 2022-05-05. Review status: criteria provided, single submitter. Criteria: GeneDx Variant Classification Process June 2021. Collection method: clinical testing. Allele origin: germline. Affected: yes.
Comment: Not observed at significant frequency in large population cohorts (gnomAD); In silico analysis supports that this missense variant has a deleterious effect on protein structure/function; Has not been previously published as pathogenic or benign to our knowledge; This variant is associated with the following publications: (PMID: 28369529, 27899666)